The following is an entry in ClinVar:

ClinVar aggregate classification (germline): Uncertain significance (1 of 4 stars; one submission).

Conditions:
Cardiovascular phenotype. Identifiers: MedGen CN230736.

gnomAD v4.1: 6 of 1,536,080 alleles (0.00039%); highest among the groups gnomAD compares: Non-Finnish European, 0.00052%; no homozygotes.

Submission:

Ambry Genetics
Classification: Uncertain significance for Cardiovascular phenotype. Last evaluated: 2022-01-07. Review status: criteria provided, single submitter. Criteria: Ambry Variant Classification Scheme 2023. Collection method: clinical testing. Allele origin: germline.
Comment: The p.G1136S variant (also known as c.3406G>A), located in coding exon 2 of the ZNF469 gene, results from a G to A substitution at nucleotide position 3406. The glycine at codon 1136 is replaced by serine, an amino acid with similar properties. This amino acid position is conserved. In addition, this alteration is predicted to be tolerated by in silico analysis. Since supporting evidence is limited at this time, the clinical significance of this alteration remains unclear.

NM_001367624.2(ZNF469):c.3490G>A (p.Gly1164Ser)

Gene: ZNF469 (zinc finger protein 469; plus strand). Cytogenetic location: 16q24.2.
Variant type: single nucleotide variant.
Coding change: c.3490G>A on transcript NM_001367624.2 (MANE Select); coding-DNA position 3490, G replaced by A.
Protein change: p.Gly1164Ser; replaces glycine 1164 with serine.
Molecular consequence: missense variant.
Genome position (GRCh38, 1-based): chr16:88,430,960, G>A. VCF-style: chr16-88430960-G-A. GRCh37 (hg19) VCF-style: chr16-88497368-G-A.
Other names: NM_001127464.1:c.3406G>A; short protein forms G1164S.
Identifiers: ClinVar variation 1731127 (VCV001731127.2), dbSNP rs2507583656, ClinGen allele CA397084619.